The following is an entry in ClinVar:

NM_182914.2(SYNE2):c.-224C>T

Genes: SYNE2 (spectrin repeat containing nuclear envelope protein 2; plus strand), LOC130055816 (ATAC-STARR-seq lymphoblastoid silent region 5831; plus strand). Cytogenetic location: 14q23.2.
Variant type: single nucleotide variant.
Coding change: c.-224C>T on transcript NM_182914.2; 224 bases upstream of the start codon, C replaced by T.
Genome position (GRCh38, 1-based): chr14:63,852,971, C>T. VCF-style: chr14-63852971-C-T. GRCh37 (hg19) VCF-style: chr14-64319689-C-T.
Identifiers: ClinVar variation 313475 (VCV000313475.8), dbSNP rs143315154, ClinGen allele CA10635015.
Genomic context (GRCh38, chr14:63,852,971, plus strand): 5'-GGGGCGAGCGCGGGACCCGGAGGCGGGCGGCGGGCGGGGAAGGCGCGGGGCGTGGTTTGC[C>T]GCTTTCCGAGCGCCAAGGAGCGGAGCGCGCTCAGCTGCGCCCAGAGCCTTCGGCCGGACC-3'

ClinVar aggregate classification (germline): Benign. Review status: criteria provided, multiple submitters, no conflicts (2 of 4 stars). 2 submissions from 2 submitters: Benign (2). Last evaluated 2018-01-12.

Conditions:
Emery-Dreifuss muscular dystrophy 5, autosomal dominant (EDMD5). Also called: EMERY-DREIFUSS MUSCULAR DYSTROPHY 5. Identifiers: Orphanet 261, MedGen C2751805, MONDO:0013072, OMIM 612999.

Allele frequency attached by ClinVar (database versions not stated): 1000 Genomes Project 30x 0.01983; TOPMed 0.02068; gnomAD exomes 0.05163; gnomAD 0.02037 and 0.02076; 1000 Genomes Project 0.01917.
gnomAD v4.1: 3,185 of 151,768 alleles (2.1%); highest among the groups gnomAD compares: Admixed American, 3.4%; 43 homozygotes.

Submissions (2):

Illumina Laboratory Services, Illumina
Classification: Benign for Emery-Dreifuss muscular dystrophy 5, autosomal dominant. Last evaluated: 2018-01-12. Review status: criteria provided, single submitter. Criteria: ICSL Variant Classification Criteria 13 December 2019. Collection method: clinical testing. Allele origin: germline.
Comment: This variant was observed in the ICSL laboratory as part of a predisposition screen in an ostensibly healthy population. It had not been previously curated by ICSL or reported in the Human Gene Mutation Database (HGMD: prior to June 1st, 2018), and was therefore a candidate for classification through an automated scoring system. Utilizing variant allele frequency, disease prevalence and penetrance estimates, and inheritance mode, an automated score was calculated to assess if this variant is too frequent to cause the disease. Based on the score and internal cut-off values, a variant classified as benign is not then subjected to further curation. The score for this variant resulted in a classification of benign for this disease.

Breakthrough Genomics
Classification: Benign. Review status: criteria provided, single submitter. Criteria: ACMG Guidelines, 2015. Collection method: not provided. Allele origin: germline. Inheritance: Autosomal dominant inheritance. Affected: yes.